The following is an entry in ClinVar:

NM_001144869.3(LIPT2):c.466+5G>A

Gene: LIPT2 (lipoyl(octanoyl) transferase 2; minus strand). Cytogenetic location: 11q13.4.
Variant type: single nucleotide variant.
Coding change: c.466+5G>A on transcript NM_001144869.3 (MANE Select); 5 bases into the intron after coding-DNA position 466, G replaced by A.
Molecular consequence: intron variant. On other transcripts: synonymous variant (1).
Genome position (GRCh38, 1-based): chr11:74,493,233, C>T on the plus strand (G>A on the coding strand, the complement: LIPT2 is on the minus strand). VCF-style: chr11-74493233-C-T. GRCh37 (hg19) VCF-style: chr11-74204278-C-T.
Other names: c.471G>A, p.Glu157= (NM_001329941.2); c.237+234G>A (NM_001329942.2).
Identifiers: ClinVar variation 5003135 (VCV005003135.1).

ClinVar aggregate classification (germline): Uncertain significance (1 of 4 stars; one submission).

Conditions:
Encephalopathy, neonatal severe, with lactic acidosis and brain abnormalities (NELABA). Also called: LIPOYLTRANSFERASE 2 DEFICIENCY; Lipoyl transferase 2 deficiency. Identifiers: Orphanet 447795, MedGen C5681203, MONDO:0060562, OMIM 617668.

gnomAD v4.1: 2 of 1,347,400 alleles (0.00015%); no homozygotes.

Submission:

OLLIN Analises Genomicas, OLLIN
Classification: Uncertain significance for Encephalopathy, neonatal severe, with lactic acidosis and brain abnormalities. Last evaluated: 2026-08-06. Review status: criteria provided, single submitter. Criteria: ACMG Guidelines 2015 PMID 25741868. Collection method: clinical testing. Allele origin: germline.
Comment: This variant, has been observed in gnomAD with an allele frequency of 0.00015%, but has not been reported in ClinVar or identified in the literature. According to the currently available evidence, this variant has been classified as uncertain significance (PM2_P, PP3_M).